The following is an entry in ClinVar:

NM_003334.4(UBA1):c.3061C>T (p.Arg1021Cys)

Gene: UBA1 (ubiquitin like modifier activating enzyme 1; plus strand). Cytogenetic location: Xp11.3.
Variant type: single nucleotide variant.
Coding change: c.3061C>T on transcript NM_003334.4 (MANE Select); coding-DNA position 3061, C replaced by T.
Protein change: p.Arg1021Cys; replaces arginine 1021 with cysteine.
Molecular consequence: missense variant.
Genome position (GRCh38, 1-based): chrX:47,214,813, C>T. VCF-style: chrX-47214813-C-T. GRCh37 (hg19) VCF-style: chrX-47074212-C-T.
Other names: c.3103C>T, p.Arg1035Cys (NM_001440807.1); c.3079C>T, p.Arg1027Cys (NM_001440809.1, NM_001440810.1); c.3061C>T, p.Arg1021Cys (NM_001440811.1, NM_001440812.1, NM_153280.3); short protein forms R1021C, R1027C, R1035C.
Identifiers: ClinVar variation 4686481 (VCV004686481.1).
Genomic context (GRCh38, chrX:47,214,813, plus strand): 5'-TCTGCCCTCCTGACCCTATACTCCCATCCCCCTATCCCCAGGATGACAGAGATTGTGAGC[C>T]GTGTGTCGAAGCGAAAGCTGGGCCGCCACGTGCGGGCGCTGGTGCTTGAGCTGTGCTGTA-3'
Protein context (NP_003325.2, residues 1011-1031): LDQPMTEIVS[Arg1021Cys]VSKRKLGRHV

ClinVar aggregate classification (germline): Uncertain significance (1 of 4 stars; one submission).

Submission:

GeneDx
Classification: Uncertain significance. Last evaluated: 2025-07-17. Review status: criteria provided, single submitter. Criteria: GeneDx Variant Classification Process June 2021. Collection method: clinical testing. Allele origin: germline. Affected: yes.
Comment: Not observed at significant frequency in large population cohorts (gnomAD); Missense variants in this gene are a common cause of disease and they are underrepresented in the general population; In silico analysis supports that this missense variant has a deleterious effect on protein structure/function; Has not been previously published as pathogenic or benign to our knowledge